The following is an entry in ClinVar:

NM_080680.3(COL11A2):c.176C>T (p.Ala59Val)

Gene: COL11A2 (collagen type XI alpha 2 chain; minus strand). Cytogenetic location: 6p21.32.
Variant type: single nucleotide variant.
Coding change: c.176C>T on transcript NM_080680.3 (MANE Select); coding-DNA position 176, C replaced by T.
Protein change: p.Ala59Val; replaces alanine 59 with valine.
Molecular consequence: missense variant.
Genome position (GRCh38, 1-based): chr6:33,189,376, G>A on the plus strand (C>T on the coding strand, the complement: COL11A2 is on the minus strand). VCF-style: chr6-33189376-G-A. GRCh37 (hg19) VCF-style: chr6-33157153-G-A.
Other names: c.176C>T, p.Ala59Val (NM_001163771.2, NM_080679.3, NM_080681.3); short protein forms A59V.
Identifiers: ClinVar variation 1437344 (VCV001437344.5), dbSNP rs1240969348, ClinGen allele CA363613191.

ClinVar aggregate classification (germline): Uncertain significance (1 of 4 stars; one submission).

gnomAD v4.1: 1 of 1,613,262 alleles (0.000062%); highest among the groups gnomAD compares: Non-Finnish European, 0.000085%; no homozygotes.

Submission:

Labcorp Genetics (formerly Invitae), Labcorp
Classification: Uncertain significance. Last evaluated: 2021-09-24. Review status: criteria provided, single submitter. Criteria: Invitae Variant Classification Sherloc (09022015). Collection method: clinical testing. Allele origin: germline.
Comment: This sequence change replaces alanine with valine at codon 59 of the COL11A2 protein (p.Ala59Val). The alanine residue is highly conserved and there is a small physicochemical difference between alanine and valine. This variant is not present in population databases (ExAC no frequency). This variant has not been reported in the literature in individuals with COL11A2-related conditions. Advanced modeling of protein sequence and biophysical properties (such as structural, functional, and spatial information, amino acid conservation, physicochemical variation, residue mobility, and thermodynamic stability) performed at Invitae indicates that this missense variant is not expected to disrupt COL11A2 protein function. In summary, the available evidence is currently insufficient to determine the role of this variant in disease. Therefore, it has been classified as a Variant of Uncertain Significance.